The following is an entry in ClinVar:

ClinVar aggregate classification (germline): Uncertain significance. Review status: criteria provided, multiple submitters, no conflicts (2 of 4 stars). 2 submissions from 2 submitters: Uncertain significance (2). Last evaluated 2026-05-03.

Conditions:
Inborn genetic diseases. Identifiers: MedGen C0950123, MeSH D030342.
GLIS3-related disorder. Also called: GLIS3-related condition.

Allele frequency attached by ClinVar (database versions not stated): TOPMed below 0.00001; ExAC 0.00001; gnomAD 0.00001; gnomAD exomes 0.00002.
gnomAD v4.1: 36 of 1,613,984 alleles (0.0022%); highest among the groups gnomAD compares: Non-Finnish European, 0.0028%; no homozygotes.

Submissions (2):

PreventionGenetics, part of Exact Sciences
Classification: Uncertain significance for GLIS3-related condition. Last evaluated: 2026-05-03. Review status: criteria provided, single submitter. Criteria: ACMG Guidelines, 2015. Collection method: clinical testing. Allele origin: germline.
Comment: The GLIS3 c.1995C>G variant is predicted to result in the amino acid substitution p.Ser665Arg. To our knowledge, this variant has not been reported in the literature. This variant is reported in 0.0023% of alleles in individuals of European (Non-Finnish) descent in gnomAD. At this time, the clinical significance of this variant is uncertain due to the absence of conclusive functional and genetic evidence.

Ambry Genetics
Classification: Uncertain significance for Inborn genetic diseases. Last evaluated: 2023-10-06. Review status: criteria provided, single submitter. Criteria: Ambry Variant Classification Scheme 2023. Collection method: clinical testing. Allele origin: germline.

NM_001042413.2(GLIS3):c.1995C>G (p.Ser665Arg)

Genes: GLIS3 (GLIS family zinc finger 3; minus strand), GLIS3-AS1 (GLIS3 antisense RNA 1; plus strand). Cytogenetic location: 9p24.2.
Variant type: single nucleotide variant.
Coding change: c.1995C>G on transcript NM_001042413.2 (MANE Select); coding-DNA position 1995, C replaced by G.
Protein change: p.Ser665Arg; replaces serine 665 with arginine.
Molecular consequence: missense variant. On other transcripts: non-coding transcript variant (1).
Genome position (GRCh38, 1-based): chr9:3,898,824, G>C on the plus strand (C>G on the coding strand, the complement: GLIS3 is on the minus strand). VCF-style: chr9-3898824-G-C. GRCh37 (hg19) VCF-style: chr9-3898824-G-C.
Other names: c.1995C>G (NM_001042413.1); c.1530C>G, p.Ser510Arg (NM_152629.4); short protein forms S510R, S665R.
Identifiers: ClinVar variation 3100272 (VCV003100272.2), dbSNP rs755350906, ClinGen allele CA4967985.